The following is an entry in ClinVar:

ClinVar aggregate classification (germline): Conflicting classifications of pathogenicity. Review status: criteria provided, conflicting classifications (1 of 4 stars). 2 submissions from 2 submitters: Uncertain significance (1); Likely benign (1). Last evaluated 2026-07-24.

Conditions:
GPIHBP1-related disorder. Also called: GPIHBP1-related condition.
Cardiovascular phenotype. Identifiers: MedGen CN230736.

Allele frequency attached by ClinVar (database versions not stated): TOPMed 0.00001; gnomAD 0.00003; gnomAD exomes 0.00004; ExAC 0.00009; 1000 Genomes Project 30x 0.00031; 1000 Genomes Project 0.00040.
gnomAD v4.1: 67 of 1,594,578 alleles (0.0042%); highest among the groups gnomAD compares: South Asian, 0.058%; no homozygotes.

Submissions (2):

PreventionGenetics, part of Exact Sciences
Classification: Uncertain significance for GPIHBP1-related condition. Last evaluated: 2026-07-24. Review status: criteria provided, single submitter. Criteria: ACMG Guidelines, 2015. Collection method: clinical testing. Allele origin: germline.
Comment: The GPIHBP1 c.43G>A variant is predicted to result in the amino acid substitution p.Gly15Arg. This variant has been reported in a cohort study with hypertriglyceridemia (Table S2, Deshotels et al. 2022. PubMed ID: 36325899). This variant is reported in 0.044% of alleles in individuals of South Asian descent in gnomAD. At this time, the clinical significance of this variant is uncertain due to the absence of conclusive functional and genetic evidence.

Ambry Genetics
Classification: Likely benign for Cardiovascular phenotype. Last evaluated: 2025-06-05. Review status: criteria provided, single submitter. Criteria: Ambry Variant Classification Scheme 2023. Collection method: clinical testing. Allele origin: germline.

Literature cited by the submitters: PubMed 36325899 (cited by Ambry Genetics).

NM_178172.6(GPIHBP1):c.43G>A (p.Gly15Arg)

Gene: GPIHBP1 (glycosylphosphatidylinositol anchored high density lipoprotein binding protein 1; plus strand). Cytogenetic location: 8q24.3.
Variant type: single nucleotide variant.
Coding change: c.43G>A on transcript NM_178172.6 (MANE Select); coding-DNA position 43, G replaced by A.
Protein change: p.Gly15Arg; replaces glycine 15 with arginine.
Molecular consequence: missense variant.
Genome position (GRCh38, 1-based): chr8:143,213,310, G>A. VCF-style: chr8-143213310-G-A. GRCh37 (hg19) VCF-style: chr8-144295185-G-A.
Other names: c.43G>A (NM_178172.5); c.43G>A, p.Gly15Arg (NM_001301772.2); short protein forms G15R.
Identifiers: ClinVar variation 1740318 (VCV001740318.4), dbSNP rs539491995, ClinGen allele CA4906991.